The following is an entry in ClinVar:

NM_001375808.2(LPIN2):c.*637G>A

Gene: LPIN2 (lipin 2; minus strand). Cytogenetic location: 18p11.31.
Variant type: single nucleotide variant.
Coding change: c.*637G>A on transcript NM_001375808.2 (MANE Select); 637 bases downstream of the stop codon, G replaced by A.
Molecular consequence: 3 prime UTR variant.
Genome position (GRCh38, 1-based): chr18:2,919,656, C>T on the plus strand (G>A on the coding strand, the complement: LPIN2 is on the minus strand). VCF-style: chr18-2919656-C-T. GRCh37 (hg19) VCF-style: chr18-2919654-C-T.
Other names: c.*637G>A (NM_001375809.1, NM_014646.2).
Identifiers: ClinVar variation 326615 (VCV000326615.5), dbSNP rs118142692, ClinGen allele CA10647399.

ClinVar aggregate classification (germline): Benign (1 of 4 stars; one submission).

Conditions:
Majeed syndrome (MJDS). Also called: CHRONIC RECURRENT MULTIFOCAL OSTEOMYELITIS 1, WITH CONGENITAL DYSERYTHROPOIETIC ANEMIA, WITH OR WITHOUT NEUTROPHILIC DERMATOSIS; LPIN2-Related Majeed Syndrome. Identifiers: Orphanet 77297, MedGen C1864997, MONDO:0012316, OMIM 609628.

Allele frequency attached by ClinVar (database versions not stated): gnomAD exomes 0.00034; gnomAD 0.00058 and 0.00095; TOPMed 0.00090; 1000 Genomes Project 30x 0.00671; 1000 Genomes Project 0.00739.
gnomAD v4.1: 146 of 158,480 alleles (0.092%); highest among the groups gnomAD compares: East Asian, 2.5%; 2 homozygotes.

Submission:

Illumina Laboratory Services, Illumina
Classification: Benign for Majeed syndrome. Last evaluated: 2018-01-13. Review status: criteria provided, single submitter. Criteria: ICSL Variant Classification Criteria 13 December 2019. Collection method: clinical testing. Allele origin: germline.
Comment: This variant was observed in the ICSL laboratory as part of a predisposition screen in an ostensibly healthy population. It had not been previously curated by ICSL or reported in the Human Gene Mutation Database (HGMD: prior to June 1st, 2018), and was therefore a candidate for classification through an automated scoring system. Utilizing variant allele frequency, disease prevalence and penetrance estimates, and inheritance mode, an automated score was calculated to assess if this variant is too frequent to cause the disease. Based on the score and internal cut-off values, a variant classified as benign is not then subjected to further curation. The score for this variant resulted in a classification of benign for this disease.